The following is an entry in ClinVar:

ClinVar aggregate classification (germline): Uncertain significance (1 of 4 stars; one submission).

Allele frequency attached by ClinVar (database versions not stated): ExAC 0.00001; gnomAD 0.00001; 1000 Genomes Project 30x 0.00016; 1000 Genomes Project 0.00020.
gnomAD v4.1: 14 of 1,614,056 alleles (0.00087%); highest among the groups gnomAD compares: South Asian, 0.014%; no homozygotes.

Submission:

Labcorp Genetics (formerly Invitae), Labcorp
Classification: Uncertain significance. Last evaluated: 2024-05-06. Review status: criteria provided, single submitter. Criteria: Invitae Variant Classification Sherloc (09022015). Collection method: clinical testing. Allele origin: germline.
Comment: This sequence change replaces alanine, which is neutral and non-polar, with glycine, which is neutral and non-polar, at codon 150 of the ARMC9 protein (p.Ala150Gly). This variant is present in population databases (rs532584474, gnomAD 0.006%). This variant has not been reported in the literature in individuals affected with ARMC9-related conditions. ClinVar contains an entry for this variant (Variation ID: 1507446). Experimental studies and prediction algorithms are not available or were not evaluated, and the functional significance of this variant is currently unknown. In summary, the available evidence is currently insufficient to determine the role of this variant in disease. Therefore, it has been classified as a Variant of Uncertain Significance.

NM_001352754.2(ARMC9):c.449C>G (p.Ala150Gly)

Gene: ARMC9 (armadillo repeat containing 9; plus strand). Cytogenetic location: 2q37.1.
Variant type: single nucleotide variant.
Coding change: c.449C>G on transcript NM_001352754.2 (MANE Select); coding-DNA position 449, C replaced by G.
Protein change: p.Ala150Gly; replaces alanine 150 with glycine.
Molecular consequence: missense variant. On other transcripts: non-coding transcript variant (1).
Genome position (GRCh38, 1-based): chr2:231,216,738, C>G. VCF-style: chr2-231216738-C-G. GRCh37 (hg19) VCF-style: chr2-232081451-C-G.
Other names: c.449C>G, p.Ala150Gly (NM_001271466.4, NM_001291656.2, NM_001352755.2 and 5 more transcripts); short protein forms A150G.
Identifiers: ClinVar variation 1507446 (VCV001507446.6), dbSNP rs532584474, ClinGen allele CA2159935.
Genomic context (GRCh38, chr2:231,216,738, plus strand): 5'-CCTACCTGGAGACCAAAGGGGCAGCCTTGAGCCAGACCACAGAGTTTCTTCCTTTCTATG[C>G]CCTTCCTTTTGTTCCCAACCCTATGGTGCACCCCTCATTTAAAGAACTCTTCCAGGTAAA-3'
Protein context (NP_001339683.2, residues 140-160): SQTTEFLPFY[Ala150Gly]LPFVPNPMVH